The following is an entry in ClinVar:

ClinVar aggregate classification (germline): Uncertain significance (1 of 4 stars; one submission).

Allele frequency attached by ClinVar (database versions not stated): gnomAD 0.00001.
gnomAD v4.1: 64 of 1,610,484 alleles (0.004%); highest among the groups gnomAD compares: Non-Finnish European, 0.0052%; no homozygotes.

Submission:

Labcorp Genetics (formerly Invitae), Labcorp
Classification: Uncertain significance. Last evaluated: 2022-10-24. Review status: criteria provided, single submitter. Criteria: Invitae Variant Classification Sherloc (09022015). Collection method: clinical testing. Allele origin: germline.
Comment: This sequence change replaces arginine, which is basic and polar, with glutamine, which is neutral and polar, at codon 340 of the JAK2 protein (p.Arg340Gln). This variant is present in population databases (rs776830350, gnomAD 0.003%). This variant has not been reported in the literature in individuals affected with JAK2-related conditions. Algorithms developed to predict the effect of missense changes on protein structure and function are either unavailable or do not agree on the potential impact of this missense change (SIFT: "Deleterious"; PolyPhen-2: "Possibly Damaging"; Align-GVGD: "Class C0"). In summary, the available evidence is currently insufficient to determine the role of this variant in disease. Therefore, it has been classified as a Variant of Uncertain Significance.

NM_004972.4(JAK2):c.1019G>A (p.Arg340Gln)

Genes: INSL6 (insulin like 6; minus strand), JAK2 (Janus kinase 2; plus strand). Cytogenetic location: 9p24.1.
Variant type: single nucleotide variant.
Coding change: c.1019G>A on transcript NM_004972.4 (MANE Select); coding-DNA position 1019, G replaced by A.
Protein change: p.Arg340Gln; replaces arginine 340 with glutamine.
Molecular consequence: missense variant. On other transcripts: 5 prime UTR variant (2), non-coding transcript variant (2).
Genome position (GRCh38, 1-based): chr9:5,055,751, G>A. VCF-style: chr9-5055751-G-A. GRCh37 (hg19) VCF-style: chr9-5055751-G-A.
Other names: c.1019G>A, p.Arg340Gln (NM_001322194.2, NM_001322195.2, NM_001322196.2); c.-197G>A (NM_001322198.2, NM_001322199.2); c.572G>A, p.Arg191Gln (NM_001322204.2); short protein forms R340Q, R191Q.
Identifiers: ClinVar variation 1913095 (VCV001913095.5), dbSNP rs776830350, ClinGen allele CA4971714.